The following is an entry in ClinVar:

ClinVar aggregate classification (germline): Uncertain significance (1 of 4 stars; one submission).

Submission:

GeneDx
Classification: Uncertain significance. Last evaluated: 2025-04-28. Review status: criteria provided, single submitter. Criteria: GeneDx Variant Classification Process June 2021. Collection method: clinical testing. Allele origin: germline. Affected: yes.
Comment: Not observed at significant frequency in large population cohorts (gnomAD); In silico analysis supports that this missense variant has a deleterious effect on protein structure/function; Has not been previously published as pathogenic or benign to our knowledge

NM_001104631.2(PDE4D):c.563G>A (p.Arg188Gln)

Gene: PDE4D (phosphodiesterase 4D; minus strand). Cytogenetic location: 5q11.2.
Variant type: single nucleotide variant.
Coding change: c.563G>A on transcript NM_001104631.2 (MANE Select); coding-DNA position 563, G replaced by A.
Protein change: p.Arg188Gln; replaces arginine 188 with glutamine.
Molecular consequence: missense variant. On other transcripts: 5 prime UTR variant (3).
Genome position (GRCh38, 1-based): chr5:59,215,861, C>T on the plus strand (G>A on the coding strand, the complement: PDE4D is on the minus strand). VCF-style: chr5-59215861-C-T. GRCh37 (hg19) VCF-style: chr5-58511687-C-T.
Other names: c.380G>A, p.Arg127Gln (NM_001165899.2, NM_001364599.1, NM_001364600.2); c.371G>A, p.Arg124Gln (NM_001197218.2, NM_001364601.1, NM_001364602.2); c.197G>A, p.Arg66Gln (NM_001197219.2); c.173G>A, p.Arg58Gln (NM_001197220.2); c.350G>A, p.Arg117Gln (NM_001349241.2); c.233G>A, p.Arg78Gln (NM_001349242.2); c.-132G>A (NM_001349243.2, NM_001364604.1); c.-388G>A (NM_001364603.1); and 1 more; short protein forms R117Q, R124Q, R127Q, R188Q, R52Q, R58Q, R66Q, R78Q.
Identifiers: ClinVar variation 4527827 (VCV004527827.1).